The following is an entry in ClinVar:

NM_000540.3(RYR1):c.7479del (p.Phe2494fs)

Gene: RYR1 (ryanodine receptor 1; plus strand). Cytogenetic location: 19q13.2.
Variant type: Deletion.
Coding change: c.7479del on transcript NM_000540.3 (MANE Select); coding-DNA position 7479, one base deleted (C; older notation c.7479delC).
Protein change: p.Phe2494fs; shifts the reading frame from phenylalanine 2494.
Molecular consequence: frameshift variant.
Genome position (GRCh38, 1-based): chr19:38,500,855, C deleted; the last of 2 consecutive C bases (chr19:38,500,854-38,500,855); deleting either gives the same sequence. VCF-style (leftmost placement, unchanged base first): chr19-38500853-TC-T. GRCh37 (hg19) VCF-style: chr19-38991493-TC-T.
Other names: c.7479del, p.Phe2494fs (NM_001042723.2); short protein forms F2494fs.
Identifiers: ClinVar variation 3072010 (VCV003072010.1), dbSNP rs1970081906, ClinGen allele CA995716238.

ClinVar aggregate classification (germline): Uncertain significance (1 of 4 stars; one submission).

Conditions:
Malignant hyperthermia, susceptibility to, 1 (MHS1). Also called: Anesthesia related hyperthermia; Malignant hyperpyrexia; Fulminating hyperpyrexia; Pharmacogenic myopathy; RYR1-Related Malignant Hyperthermia Susceptibility; Malignant hyperthermia suceptibility 1. Identifiers: Orphanet 423, MedGen C2930980, MONDO:0007783, OMIM 145600.

Submission:

All of Us Research Program, National Institutes of Health
Classification: Uncertain significance for Malignant hyperthermia, susceptibility to, 1. Last evaluated: 2023-06-26. Review status: criteria provided, single submitter. Criteria: ACMG Guidelines, 2015. Collection method: clinical testing. Allele origin: germline. Inheritance: Autosomal dominant inheritance. Observed: 1 variant allele, 1 heterozygote.
Comment: This pathogenicity assessment is for autosomal dominant malignant hyperthermia susceptibility phenotype. This frameshift variant is predicted to result in an absent RYR1 protein product. Loss of RYR1 function due to haploinsufficiency is associated with congenital myopathy, but it is not an established disease mechanism for autosomal dominant malignant hyperthermia susceptibility. Therefore, this variant is classified as a Variant of Uncertain Significance for malignant hyperthermia susceptibility.

This study involves interpretation of variants in research participants for the purpose of population health screening. Participant phenotype was not available at the time of variant classification. Additional details can be found in publication PMID: 35346344, PMCID: PMC8962531